The following is an entry in ClinVar:

NM_001844.5(COL2A1):c.441A>G (p.Gly147=)

Gene: COL2A1 (collagen type II alpha 1 chain; minus strand). Cytogenetic location: 12q13.11.
Variant type: single nucleotide variant.
Coding change: c.441A>G on transcript NM_001844.5 (MANE Select); coding-DNA position 441, A replaced by G.
Protein change: p.Gly147=; no amino-acid change (glycine 147 retained).
Molecular consequence: synonymous variant.
Genome position (GRCh38, 1-based): chr12:47,997,696, T>C on the plus strand (A>G on the coding strand, the complement: COL2A1 is on the minus strand). VCF-style: chr12-47997696-T-C. GRCh37 (hg19) VCF-style: chr12-48391479-T-C.
Other names: c.441A>G (NM_001844.4); c.234A>G, p.Gly78= (NM_033150.3).
Identifiers: ClinVar variation 1106402 (VCV001106402.11), dbSNP rs200041244, ClinGen allele CA6535930.

ClinVar aggregate classification (germline): Likely benign. Review status: criteria provided, multiple submitters, no conflicts (2 of 4 stars). 3 submissions from 3 submitters: Likely benign (3). Last evaluated 2025-09-13.

Conditions:
COL2A1-related disorder. Also called: COL2A1-related condition; COL2A1-related disorders.

Allele frequency attached by ClinVar (database versions not stated): ExAC 0.00005; TOPMed 0.00006; 1000 Genomes Project 30x 0.00016; 1000 Genomes Project 0.00020.
gnomAD v4.1: 21 of 1,613,836 alleles (0.0013%); highest among the groups gnomAD compares: East Asian, 0.022%; no homozygotes.

Submissions (3):

Labcorp Genetics (formerly Invitae), Labcorp
Classification: Likely benign. Last evaluated: 2025-09-13. Review status: criteria provided, single submitter. Criteria: Invitae Variant Classification Sherloc (09022015). Collection method: clinical testing. Allele origin: germline.

PreventionGenetics, part of Exact Sciences
Classification: Likely benign for COL2A1-related condition. Last evaluated: 2025-06-10. Review status: criteria provided, single submitter. Criteria: ACMG Guidelines, 2015. Collection method: clinical testing. Allele origin: germline.
Comment: This variant is classified as likely benign based on ACMG/AMP sequence variant interpretation guidelines (Richards et al. 2015 PMID: 25741868, with internal and published modifications).

Blueprint Genetics
Classification: Likely benign. Last evaluated: 2024-06-19. Review status: criteria provided, single submitter. Criteria: ACMG Guidelines, 2015. Collection method: clinical testing. Allele origin: germline.